The following is an entry in ClinVar:

ClinVar aggregate classification (germline): Uncertain significance (1 of 4 stars; one submission).

Conditions:
Cardiovascular phenotype. Identifiers: MedGen CN230736.

Allele frequency attached by ClinVar (database versions not stated): gnomAD exomes below 0.00001; TOPMed below 0.00001; gnomAD 0.00001.
gnomAD v4.1: 8 of 1,534,084 alleles (0.00052%); highest among the groups gnomAD compares: Non-Finnish European, 0.00052%; no homozygotes.

Submission:

Ambry Genetics
Classification: Uncertain significance for Cardiovascular phenotype. Last evaluated: 2024-02-25. Review status: criteria provided, single submitter. Criteria: Ambry Variant Classification Scheme 2023. Collection method: clinical testing. Allele origin: germline.
Comment: The p.R1093G variant (also known as c.3277A>G), located in coding exon 2 of the ZNF469 gene, results from an A to G substitution at nucleotide position 3277. The arginine at codon 1093 is replaced by glycine, an amino acid with dissimilar properties. This amino acid position is conserved. In addition, this alteration is predicted to be tolerated by in silico analysis. Based on the available evidence, the clinical significance of this alteration remains unclear.

NM_001367624.2(ZNF469):c.3361A>G (p.Arg1121Gly)

Gene: ZNF469 (zinc finger protein 469; plus strand). Cytogenetic location: 16q24.2.
Variant type: single nucleotide variant.
Coding change: c.3361A>G on transcript NM_001367624.2 (MANE Select); coding-DNA position 3361, A replaced by G.
Protein change: p.Arg1121Gly; replaces arginine 1121 with glycine.
Molecular consequence: missense variant.
Genome position (GRCh38, 1-based): chr16:88,430,831, A>G. VCF-style: chr16-88430831-A-G. GRCh37 (hg19) VCF-style: chr16-88497239-A-G.
Other names: NM_001127464.1:c.3277A>G; short protein forms R1121G.
Identifiers: ClinVar variation 3232786 (VCV003232786.1), dbSNP rs1906114794, ClinGen allele CA397080384.